The following is an entry in ClinVar:

ClinVar aggregate classification (germline): Uncertain significance (1 of 4 stars; one submission).

Submission:

GeneDx
Classification: Uncertain significance. Last evaluated: 2019-12-02. Review status: criteria provided, single submitter. Criteria: GeneDx Variant Classification Process June 2021. Collection method: clinical testing. Allele origin: germline. Affected: yes.
Comment: Not observed in large population cohorts (Lek et al., 2016); In silico analysis, which includes protein predictors and evolutionary conservation, supports a deleterious effect; Has not been previously published as pathogenic or benign to our knowledge

NM_004830.4(MED23):c.2528T>G (p.Leu843Arg)

Gene: MED23 (mediator complex subunit 23; minus strand). Cytogenetic location: 6q23.2.
Variant type: single nucleotide variant.
Coding change: c.2528T>G on transcript NM_004830.4 (MANE Select); coding-DNA position 2528, T replaced by G.
Protein change: p.Leu843Arg; replaces leucine 843 with arginine.
Molecular consequence: missense variant.
Genome position (GRCh38, 1-based): chr6:131,598,366, A>C on the plus strand (T>G on the coding strand, the complement: MED23 is on the minus strand). VCF-style: chr6-131598366-A-C. GRCh37 (hg19) VCF-style: chr6-131919506-A-C.
Other names: c.2528T>G, p.Leu843Arg (NM_001270521.2, NM_001270522.2); c.2546T>G, p.Leu849Arg (NM_015979.4); short protein forms L849R, L843R.
Identifiers: ClinVar variation 450678 (VCV000450678.3), dbSNP rs1554254131, ClinGen allele CA365667559.